The following is an entry in ClinVar:

NM_201384.3(PLEC):c.12127C>G (p.Leu4043Val)

Gene: PLEC (plectin; minus strand). Cytogenetic location: 8q24.3.
Variant type: single nucleotide variant.
Coding change: c.12127C>G on transcript NM_201384.3 (MANE Select); coding-DNA position 12127, C replaced by G.
Protein change: p.Leu4043Val; replaces leucine 4043 with valine.
Molecular consequence: missense variant.
Genome position (GRCh38, 1-based): chr8:143,917,694, G>C on the plus strand (C>G on the coding strand, the complement: PLEC is on the minus strand). VCF-style: chr8-143917694-G-C. GRCh37 (hg19) VCF-style: chr8-144991862-G-C.
Other names: c.12139C>G, p.Leu4047Val (NM_201383.3); c.12208C>G, p.Leu4070Val (NM_000445.5); c.8827C>G, p.Leu2943Val (NM_001410941.1); c.12085C>G, p.Leu4029Val (NM_201378.4); c.12061C>G, p.Leu4021Val (NM_201379.3); c.12538C>G, p.Leu4180Val (NM_201380.4); c.12031C>G, p.Leu4011Val (NM_201381.3); c.12127C>G, p.Leu4043Val (NM_201382.4); short protein forms L4029V, L4047V, L4021V, L2943V, L4043V, L4070V, L4180V, L4011V.
Identifiers: ClinVar variation 2940188 (VCV002940188.3), dbSNP rs2539247158, ClinGen allele CA372485841.
Genomic context (GRCh38, chr8:143,917,694, plus strand): 5'-CGGGCAGCCGGTGGCTCTCCTCAGGGTCGATGATGCCGCCCGTGGCGATCTGGGCCTCCA[G>C]CAGGCGGATGCCATGGTCCTTCAGGATCAGGCCCTTCTTCATGGCCTGGAAGAGGGAGAT-3'
Protein context (NP_958786.1, residues 4033-4053): LILKDHGIRL[Leu4043Val]EAQIATGGII

ClinVar aggregate classification (germline): Uncertain significance (1 of 4 stars; one submission).

Conditions:
Epidermolysis bullosa simplex with nail dystrophy (EBS5D). Identifiers: MedGen C4225309, MONDO:0014661, OMIM 616487.
Epidermolysis bullosa simplex, Ogna type (EBS5A). Also called: Pidermolysis bullosa simplex 5A, Ogna type; EPIDERMOLYSIS BULLOSA SIMPLEX 5A, OGNA TYPE. Identifiers: Orphanet 79401, MedGen C0432317, MONDO:0007555, OMIM 131950.
Autosomal recessive limb-girdle muscular dystrophy type 2Q (LGMDR17). Also called: MUSCULAR DYSTROPHY, LIMB-GIRDLE, AUTOSOMAL RECESSIVE 17. Identifiers: Orphanet 254361, MedGen C3150989, MONDO:0013390, OMIM 613723.
Epidermolysis bullosa simplex 5B, with muscular dystrophy (EBS5B). Also called: EPIDERMOLYSIS BULLOSA SIMPLEX AND LIMB-GIRDLE MUSCULAR DYSTROPHY; Epidermolysis bullosa simplex with muscular dystrophy. Identifiers: Orphanet 257, MedGen C2931072, MONDO:0009181, OMIM 226670.
Epidermolysis bullosa simplex 5C, with pyloric atresia (EBS5C). Also called: PLEC-Related Epidermolysis Bullosa with Pyloric Atresia; Epidermolysis bullosa simplex with pyloric atresia; PLEC1-Related Epidermolysis Bullosa with Pyloric Atresia. Identifiers: Orphanet 158684, MedGen C2677349, MONDO:0012807, OMIM 612138.

Allele frequency attached by ClinVar (database versions not stated): gnomAD exomes below 0.00001.
gnomAD v4.1: 3 of 1,613,592 alleles (0.00019%); highest among the groups gnomAD compares: Non-Finnish European, 0.00017%; no homozygotes.

Submission:

Labcorp Genetics (formerly Invitae), Labcorp
Classification: Uncertain significance for Autosomal recessive limb-girdle muscular dystrophy type 2Q; Epidermolysis bullosa simplex, Ogna type; Epidermolysis bullosa simplex with nail dystrophy; Epidermolysis bullosa simplex 5C, with pyloric atresia; Epidermolysis bullosa simplex 5B, with muscular dystrophy. Last evaluated: 2025-04-08. Review status: criteria provided, single submitter. Criteria: Invitae Variant Classification Sherloc (09022015). Collection method: clinical testing. Allele origin: germline.
Comment: This sequence change replaces leucine, which is neutral and non-polar, with valine, which is neutral and non-polar, at codon 4070 of the PLEC protein (p.Leu4070Val). This variant is not present in population databases (gnomAD no frequency). This variant has not been reported in the literature in individuals affected with PLEC-related conditions. ClinVar contains an entry for this variant (Variation ID: 2940188). Invitae Evidence Modeling of protein sequence and biophysical properties (such as structural, functional, and spatial information, amino acid conservation, physicochemical variation, residue mobility, and thermodynamic stability) indicates that this missense variant is not expected to disrupt PLEC protein function with a negative predictive value of 80%. In summary, the available evidence is currently insufficient to determine the role of this variant in disease. Therefore, it has been classified as a Variant of Uncertain Significance.